The following is an entry in ClinVar:

NM_001378452.1(ITPR1):c.6477C>T (p.Asn2159=)

Gene: ITPR1 (inositol 1,4,5-trisphosphate receptor type 1; plus strand). Cytogenetic location: 3p26.1.
Variant type: single nucleotide variant.
Coding change: c.6477C>T on transcript NM_001378452.1 (MANE Select); coding-DNA position 6477, C replaced by T.
Protein change: p.Asn2159=; no amino-acid change (asparagine 2159 retained).
Molecular consequence: synonymous variant.
Genome position (GRCh38, 1-based): chr3:4,782,708, C>T. VCF-style: chr3-4782708-C-T. GRCh37 (hg19) VCF-style: chr3-4824392-C-T.
Other names: c.6288C>T (NM_002222.5); c.6333C>T, p.Asn2111= (NM_001099952.4); c.6432C>T, p.Asn2144= (NM_001168272.2); c.6288C>T, p.Asn2096= (NM_002222.7).
Identifiers: ClinVar variation 3571524 (VCV003571524.2).

ClinVar aggregate classification (germline): Likely benign. Review status: criteria provided, multiple submitters, no conflicts (2 of 4 stars). 2 submissions from 2 submitters: Likely benign (2). Last evaluated 2026-03-10.

Conditions:
ITPR1-related disorder. Also called: ITPR1-related condition.

gnomAD v4.1: 79 of 1,590,604 alleles (0.005%); highest among the groups gnomAD compares: Non-Finnish European, 0.0066%; no homozygotes.

Submissions (2):

PreventionGenetics, part of Exact Sciences
Classification: Likely benign for ITPR1-related condition. Last evaluated: 2026-03-10. Review status: criteria provided, single submitter. Criteria: ACMG Guidelines, 2015. Collection method: clinical testing. Allele origin: germline.
Comment: This variant is classified as likely benign based on ACMG/AMP sequence variant interpretation guidelines (Richards et al. 2015 PMID: 25741868, with internal and published modifications).

Athena Diagnostics
Classification: Likely benign. Last evaluated: 2024-05-22. Review status: criteria provided, single submitter. Criteria: Athena Diagnostics Criteria. Collection method: clinical testing. Allele origin: unknown.